The following is an entry in ClinVar:

ClinVar aggregate classification (germline): Likely benign. Review status: reviewed by expert panel (3 of 4 stars). 5 submissions from 5 submitters: Likely benign (1). 4 of the submissions do not count toward it. Last evaluated 2017-06-29.

Conditions:
Hereditary cancer-predisposing syndrome. Also called: Hereditary neoplastic syndrome; Hereditary Cancer Syndrome; Neoplastic Syndromes, Hereditary; Tumor predisposition. Identifiers: Orphanet 140162, MedGen C0027672, MeSH D009386, MONDO:0015356.
Breast-ovarian cancer, familial, susceptibility to, 2 (BROVCA2). Also called: BRCA2 Hereditary Breast and Ovarian Cancer. Identifiers: Orphanet 145, MedGen C2675520, MONDO:0012933, OMIM 612555. Disease mechanism: loss of function.
Hereditary breast ovarian cancer syndrome. Also called: Hereditary breast and ovarian cancer syndrome; BRCA1- and BRCA2-Associated Hereditary Breast and Ovarian Cancer; Hereditary breast and/or ovarian cancer syndrome; Hereditary breast and ovarian cancer; Breast and ovarian cancer; Hereditary breast and ovarian cancer syndrome (HBOC). Identifiers: Orphanet 145, MedGen C0677776, MeSH D061325, MONDO:0003582. Disease mechanism: loss of function.

Allele frequency attached by ClinVar (database versions not stated): gnomAD exomes below 0.00001; ExAC 0.00001.
gnomAD v4.1: 1 of 1,614,196 alleles (0.000062%); highest among the groups gnomAD compares: South Asian, 0.0011%; no homozygotes.

Submissions (5):

Evidence-based Network for the Interpretation of Germline Mutant Alleles (ENIGMA)
Classification: Likely benign for Breast-ovarian cancer, familial, susceptibility to, 2. Last evaluated: 2017-06-29. Review status: reviewed by expert panel. Criteria: ENIGMA BRCA1/2 Classification Criteria (2017-06-29). Collection method: curation. Allele origin: germline.
Comment: Synonymous substitution variant, with low bioinformatic likelihood to result in a splicing aberration (Splicing prior probability 0.02).

Labcorp Genetics (formerly Invitae), Labcorp
Classification: Likely benign for Hereditary breast ovarian cancer syndrome. Last evaluated: 2025-05-13. Review status: criteria provided, single submitter. Criteria: Invitae Variant Classification Sherloc (09022015). Collection method: clinical testing. Allele origin: germline. Not counted in ClinVar's aggregate classification.

Color Diagnostics, LLC DBA Color Health
Classification: Likely benign for Hereditary cancer-predisposing syndrome. Last evaluated: 2019-02-04. Review status: criteria provided, single submitter. Criteria: ACMG Guidelines, 2015. Collection method: clinical testing. Allele origin: germline. Not counted in ClinVar's aggregate classification.

Genetic Services Laboratory, University of Chicago
Classification: Uncertain significance. Last evaluated: 2017-07-18. Review status: criteria provided, single submitter. Criteria: ACMG Guidelines, 2015. Collection method: clinical testing. Allele origin: germline. Affected: no. Not counted in ClinVar's aggregate classification.

Ambry Genetics
Classification: Likely benign for Hereditary cancer-predisposing syndrome. Last evaluated: 2017-04-05. Review status: criteria provided, single submitter. Criteria: Ambry Variant Classification Scheme 2023. Collection method: clinical testing. Allele origin: germline. Not counted in ClinVar's aggregate classification.

NM_000059.4(BRCA2):c.10062T>C (p.Ser3354=)

Gene: BRCA2 (BRCA2 DNA repair associated; plus strand). Cytogenetic location: 13q13.1.
Variant type: single nucleotide variant.
Coding change: c.10062T>C on transcript NM_000059.4 (MANE Select); coding-DNA position 10062, T replaced by C.
Protein change: p.Ser3354=; no amino-acid change (serine 3354 retained).
Molecular consequence: synonymous variant.
Genome position (GRCh38, 1-based): chr13:32,398,575, T>C. VCF-style: chr13-32398575-T-C. GRCh37 (hg19) VCF-style: chr13-32972712-T-C.
Identifiers: ClinVar variation 427438 (VCV000427438.19), dbSNP rs764584497, ClinGen allele CA6941467.